The following is an entry in ClinVar:

NM_006147.4(IRF6):c.889G>A (p.Val297Ile)

Gene: IRF6 (interferon regulatory factor 6; minus strand). Cytogenetic location: 1q32.2.
Variant type: single nucleotide variant.
Coding change: c.889G>A on transcript NM_006147.4 (MANE Select); coding-DNA position 889, G replaced by A.
Protein change: p.Val297Ile; replaces valine 297 with isoleucine.
Molecular consequence: missense variant.
Genome position (GRCh38, 1-based): chr1:209,790,666, C>T on the plus strand (G>A on the coding strand, the complement: IRF6 is on the minus strand). VCF-style: chr1-209790666-C-T. GRCh37 (hg19) VCF-style: chr1-209964011-C-T.
Other names: c.604G>A, p.Val202Ile (NM_001206696.2); short protein forms V297I, V202I.
Identifiers: ClinVar variation 533111 (VCV000533111.12), dbSNP rs779827384, ClinGen allele CA344576207.
Genomic context (GRCh38, chr1:209,790,666, plus strand): 5'-ACAGCCTGATGGCATAAATGGCATGACCGCTGACCTCCAGGATCAGTCCTCTGTCCATGA[C>T]GTCCAGCAGCTTGCTAGTGAACAGCTTCTGCTTCTCATTGGTAATATGCTCAGGACCTGG-3'
Protein context (NP_006138.1, residues 287-307): QKLFTSKLLD[Val297Ile]MDRGLILEVS

ClinVar aggregate classification (germline): Likely pathogenic. Review status: criteria provided, multiple submitters, no conflicts (2 of 4 stars). 2 submissions from 2 submitters: Likely pathogenic (2). Last evaluated 2025-07-23.

Conditions:
Van der Woude syndrome 1. Also called: CLEFT LIP AND/OR PALATE WITH MUCOUS CYSTS OF LOWER LIP; van der Woude Syndrome (VWS). Identifiers: MedGen C4551864, MONDO:0007333, OMIM 119300.
Van der Woude syndrome. Identifiers: Orphanet 888, MedGen C0175697, MONDO:0019508.
Orofacial cleft 6, susceptibility to (OFC6). Also called: CLEFT LIP WITH OR WITHOUT CLEFT PALATE, NONSYNDROMIC, 6. Identifiers: MedGen C1837213, MONDO:0012141, OMIM 608864.
Popliteal pterygium syndrome (PPS). Identifiers: Orphanet 294963, MedGen C0265259, MONDO:0017435.

Submissions (2):

Variantyx, Inc.
Classification: Likely pathogenic for Van der Woude syndrome 1. Last evaluated: 2025-07-23. Review status: criteria provided, single submitter. Criteria: Variantyx Assertion Criteria 2022. Collection method: clinical testing. Allele origin: germline. Inheritance: Autosomal dominant inheritance. Affected: yes.
Comment: This is a nonsynonymous variant in the IRF6 gene (OMIM: 607199). Pathogenic variants in this gene have been associated with autosomal dominant Van der Woude syndrome 1. The clinical symptoms reported for this individual are highly specific for autosomal dominant Van der Woude syndrome 1, which has a limited genetic etiology (PMID: 24088119) (PP4). This variant has been reported in affected individuals (PMID: 12219090, internal data) (PS4_Moderate) and it lies within a well-established critical functional domain of the IRF6 protein (PMID: 12219090, 10426188, 10524230, 11162841) (PM1). This variant is absent from control populations (PM2). Computational algorithms produce conflicting evidence regarding the predicted functional impact of this variant (REVEL score: 0.583). Based on the current evidence, this variant is classified as likely pathogenic for autosomal dominant Van der Woude syndrome 1.This variant was reported by previous genetic testing.

Labcorp Genetics (formerly Invitae), Labcorp
Classification: Likely pathogenic for Orofacial cleft 6, susceptibility to; Van der Woude syndrome; Popliteal pterygium syndrome. Last evaluated: 2025-05-02. Review status: criteria provided, single submitter. Criteria: Invitae Variant Classification Sherloc (09022015). Collection method: clinical testing. Allele origin: germline.
Comment: This sequence change replaces valine, which is neutral and non-polar, with isoleucine, which is neutral and non-polar, at codon 297 of the IRF6 protein (p.Val297Ile). This variant is not present in population databases (gnomAD no frequency). This missense change has been observed in individuals with van der Woude syndrome (PMID: 12219090; internal data). ClinVar contains an entry for this variant (Variation ID: 533111). Invitae Evidence Modeling of protein sequence and biophysical properties (such as structural, functional, and spatial information, amino acid conservation, physicochemical variation, residue mobility, and thermodynamic stability) indicates that this missense variant is expected to disrupt IRF6 protein function with a positive predictive value of 80%. In summary, the currently available evidence indicates that the variant is pathogenic, but additional data are needed to prove that conclusively. Therefore, this variant has been classified as Likely Pathogenic.

Literature cited by the submitters: PubMed 12219090 (cited by Variantyx, Inc. and Labcorp Genetics (formerly Invitae), Labcorp); PubMed 10426188 (cited by Variantyx, Inc.); PubMed 10524230 (cited by Variantyx, Inc.); PubMed 11162841 (cited by Variantyx, Inc.); PubMed 24088119 (cited by Variantyx, Inc.).